The following is an entry in ClinVar:

NM_007294.4(BRCA1):c.2644T>G (p.Cys882Gly)

Gene: BRCA1 (BRCA1 DNA repair associated; minus strand). Cytogenetic location: 17q21.31.
Variant type: single nucleotide variant.
Coding change: c.2644T>G on transcript NM_007294.4 (MANE Select); coding-DNA position 2644, T replaced by G.
Protein change: p.Cys882Gly; replaces cysteine 882 with glycine.
Molecular consequence: missense variant. On other transcripts: intron variant (137).
Genome position (GRCh38, 1-based): chr17:43,092,887, A>C on the plus strand (T>G on the coding strand, the complement: BRCA1 is on the minus strand). VCF-style: chr17-43092887-A-C. GRCh37 (hg19) VCF-style: chr17-41244904-A-C.
Other names: c.2500T>G, p.Cys834Gly (NM_001407848.1, NM_001407849.1, NM_001407740.1 and 20 more transcripts); c.2503T>G, p.Cys835Gly (NM_001407852.1, NM_001407850.1, NM_001407851.1 and 29 more transcripts); c.2644T>G, p.Cys882Gly (NM_001407854.1, NM_001407581.1, NM_001407582.1 and 30 more transcripts); c.2431T>G, p.Cys811Gly (NM_001407853.1, NM_001407571.1, NM_001407894.1 and 9 more transcripts); c.2641T>G, p.Cys881Gly (NM_001407587.1, NM_001407590.1, NM_001407591.1 and 22 more transcripts); c.2635T>G, p.Cys879Gly (NM_001407646.1, NM_001407647.1); c.2521T>G, p.Cys841Gly (NM_001407648.1, NM_001407664.1, NM_001407665.1 and 19 more transcripts); c.2518T>G, p.Cys840Gly (NM_001407649.1, NM_001407670.1, NM_001407671.1 and 11 more transcripts); and 41 more; short protein forms C586G, C714G, C754G, C755G, C770G, C771G, C793G, C794G.
Identifiers: ClinVar variation 3894302 (VCV003894302.1).
Genomic context (GRCh38, chr17:43,092,887, plus strand): 5'-CAAAAGTGACTTTTGGACTTTGTTTCTTTAAGGACCCAGAGTGGGCAGAGAATGTTGCAC[A>C]TTCCTCTTCTGCATTTCCTGGATTTGAAAACGGAGCAAATGACTGGCGCTTTGAAACCTT-3'
Protein context (NP_009225.1, residues 872-892): FSNPGNAEEE[Cys882Gly]ATFSAHSGSL

ClinVar aggregate classification (germline): Uncertain significance (1 of 4 stars; one submission).

Conditions:
Hereditary cancer-predisposing syndrome. Also called: Neoplastic Syndromes, Hereditary; Tumor predisposition; Hereditary Cancer Syndrome; Hereditary neoplastic syndrome. Identifiers: Orphanet 140162, MedGen C0027672, MeSH D009386, MONDO:0015356.

gnomAD v4.1: 1 of 1,613,928 alleles (0.000062%); highest among the groups gnomAD compares: South Asian, 0.0011%; no homozygotes.

Submission:

Color Diagnostics, LLC DBA Color Health
Classification: Uncertain significance for Hereditary cancer-predisposing syndrome. Last evaluated: 2024-06-20. Review status: criteria provided, single submitter. Criteria: ACMG Guidelines, 2015. Collection method: clinical testing. Allele origin: germline.
Comment: This missense variant replaces cysteine with glycine at codon 882 of the BRCA1 protein. Computational prediction is inconclusive regarding the impact of this variant on protein structure and function (internally defined REVEL score threshold 0.5 < inconclusive < 0.7, PMID: 27666373). To our knowledge, functional studies have not been reported for this variant. This variant has not been reported in individuals affected with BRCA1-related disorders in the literature. This variant has been identified in 1/251134 chromosomes in the general population by the Genome Aggregation Database (gnomAD). The available evidence is insufficient to determine the role of this variant in disease conclusively. Therefore, this variant is classified as a Variant of Uncertain Significance.